The following is an entry in ClinVar:

ClinVar aggregate classification (germline): Pathogenic. Review status: reviewed by expert panel (3 of 4 stars). 7 submissions from 7 submitters: Pathogenic (1). 6 of the submissions do not count toward it. Last evaluated 2016-09-08.

Conditions:
Hereditary cancer-predisposing syndrome. Also called: Tumor predisposition; Hereditary Cancer Syndrome; Neoplastic Syndromes, Hereditary; Hereditary neoplastic syndrome. Identifiers: Orphanet 140162, MedGen C0027672, MeSH D009386, MONDO:0015356.
Hereditary breast ovarian cancer syndrome. Also called: Hereditary breast and ovarian cancer; Hereditary breast and/or ovarian cancer syndrome; BRCA1- and BRCA2-Associated Hereditary Breast and Ovarian Cancer; Hereditary breast and ovarian cancer syndrome; Hereditary breast and ovarian cancer syndrome (HBOC); Breast and ovarian cancer. Identifiers: Orphanet 145, MedGen C0677776, MeSH D061325, MONDO:0003582. Disease mechanism: loss of function.
Breast-ovarian cancer, familial, susceptibility to, 2 (BROVCA2). Also called: BRCA2 Hereditary Breast and Ovarian Cancer. Identifiers: Orphanet 145, MedGen C2675520, MONDO:0012933, OMIM 612555. Disease mechanism: loss of function.

Submissions (7):

Evidence-based Network for the Interpretation of Germline Mutant Alleles (ENIGMA)
Classification: Pathogenic for Breast-ovarian cancer, familial, susceptibility to, 2. Last evaluated: 2016-09-08. Review status: reviewed by expert panel. Criteria: ENIGMA BRCA1/2 Classification Criteria (2015). Collection method: curation. Allele origin: germline.
Comment: Variant allele predicted to encode a truncated non-functional protein.

Labcorp Genetics (formerly Invitae), Labcorp
Classification: Pathogenic for Hereditary breast ovarian cancer syndrome. Last evaluated: 2025-04-11. Review status: criteria provided, single submitter. Criteria: Invitae Variant Classification Sherloc (09022015). Collection method: clinical testing. Allele origin: germline. Not counted in ClinVar's aggregate classification.
Comment: This sequence change creates a premature translational stop signal (p.Ser1955Glnfs*8) in the BRCA2 gene. It is expected to result in an absent or disrupted protein product. Loss-of-function variants in BRCA2 are known to be pathogenic (PMID: 20104584). This variant is not present in population databases (gnomAD no frequency). This premature translational stop signal has been observed in individual(s) with clinical features of hereditary breast and ovarian cancer syndrome (PMID: 29446198). ClinVar contains an entry for this variant (Variation ID: 126082). For these reasons, this variant has been classified as Pathogenic.

Women's Health and Genetics/Laboratory Corporation of America, LabCorp
Classification: Pathogenic for Hereditary breast and ovarian cancer syndrome. Last evaluated: 2020-10-05. Review status: criteria provided, single submitter. Criteria: LabCorp Variant Classification Summary - May 2015. Collection method: clinical testing. Allele origin: germline. Not counted in ClinVar's aggregate classification.
Comment: Variant summary: BRCA2 c.5863delT (p.Ser1955GlnfsX8) results in a premature termination codon, predicted to cause a truncation of the encoded protein or absence of the protein due to nonsense mediated decay, which are commonly known mechanisms for disease. The variant was absent in 250960 control chromosomes (gnomAD). c.5863delT has been reported in the literature in a family at risk for breast and/or ovarian cancer (Rebbeck_2018). To our knowledge, no experimental evidence demonstrating an impact on protein function has been reported. Five other ClinVar submitters (evaluation after 2014) including an expert panel (ENIGMA) cite the variant as pathogenic. Based on the evidence outlined above, the variant was classified as pathogenic.

Ambry Genetics
Classification: Pathogenic for Hereditary cancer-predisposing syndrome. Last evaluated: 2019-04-24. Review status: criteria provided, single submitter. Criteria: Ambry Variant Classification Scheme 2023. Collection method: clinical testing. Allele origin: germline. Not counted in ClinVar's aggregate classification.
Comment: The c.5863delT pathogenic mutation, located in coding exon 10 of the BRCA2 gene, results from a deletion of one nucleotide at nucleotide position 5863, causing a translational frameshift with a predicted alternate stop codon (p.S1955Qfs*8). This alteration is expected to result in loss of function by premature protein truncation or nonsense-mediated mRNA decay. As such, this alteration is interpreted as a disease-causing mutation.

GeneDx
Classification: Pathogenic. Last evaluated: 2017-03-10. Review status: criteria provided, single submitter. Criteria: GeneDx Variant Classification (06012015). Collection method: clinical testing. Allele origin: germline. Affected: yes. Not counted in ClinVar's aggregate classification.
Comment: This deletion of one nucleotide in BRCA2 is denoted c.5863delT at the cDNA level and p.Ser1955GlnfsX8 (S1955QfsX8) at the protein level. Using alternate nomenclature, this variant would be defined as BRCA2 6091delT. The normal sequence, with the base that is deleted in brackets, is AACT[delT]CAGA. The deletion causes a frameshift which changes a Serine to a Glutamine at codon 1955, and creates a premature stop codon at position 8 of the new reading frame. Although this variant has not, to our knowledge, been reported in the literature, it is predicted to cause loss of normal protein function through either protein truncation or nonsense-mediated mRNA decay. We consider this variant to be pathogenic.

Consortium of Investigators of Modifiers of BRCA1/2 (CIMBA), c/o University of Cambridge
Classification: Pathogenic for Breast-ovarian cancer, familial, susceptibility to, 2. Last evaluated: 2015-10-02. Review status: criteria provided, single submitter. Criteria: CIMBA Mutation Classification guidelines May 2016. Collection method: clinical testing. Allele origin: germline. Not counted in ClinVar's aggregate classification.

Breast Cancer Information Core (BIC) (BRCA2)
Classification: Pathogenic for Breast-ovarian cancer, familial 2. Last evaluated: 2003-12-23. Review status: no assertion criteria provided. Collection method: clinical testing. Allele origin: germline. Affected: yes. Observed: 1 variant allele. Not counted in ClinVar's aggregate classification.

Literature cited by the submitters: PubMed 20104584 (cited by Labcorp Genetics (formerly Invitae), Labcorp); PubMed 29446198 (cited by Labcorp Genetics (formerly Invitae), Labcorp and Women's Health and Genetics/Laboratory Corporation of America, LabCorp).

NM_000059.4(BRCA2):c.5863del (p.Ser1955fs)

Gene: BRCA2 (BRCA2 DNA repair associated; plus strand). Cytogenetic location: 13q13.1.
Variant type: Deletion.
Coding change: c.5863del on transcript NM_000059.4 (MANE Select); coding-DNA position 5863, one base deleted (T; older notation c.5863delT).
Protein change: p.Ser1955fs; shifts the reading frame from serine 1955.
Molecular consequence: frameshift variant.
Genome position (GRCh38, 1-based): chr13:32,340,218, T deleted; the last of 2 consecutive T bases (chr13:32,340,217-32,340,218); deleting either gives the same sequence. VCF-style (leftmost placement, unchanged base first): chr13-32340216-CT-C. GRCh37 (hg19) VCF-style: chr13-32914353-CT-C.
Other names: 6091delT; c.5863delT (NM_000059.3).
Identifiers: ClinVar variation 126082 (VCV000126082.16), dbSNP rs80359546, ClinGen allele CA023315.